The following is an entry in ClinVar:

ClinVar aggregate classification (germline): Uncertain significance. Review status: criteria provided, multiple submitters, no conflicts (2 of 4 stars). 2 submissions from 2 submitters: Uncertain significance (2). Last evaluated 2025-03-22.

Conditions:
Inborn genetic diseases. Identifiers: MedGen C0950123, MeSH D030342.
Hereditary spastic paraplegia 64. Also called: ENTPD1-Related Neurodevelopmental Disorder; Spastic paraplegia 64, autosomal recessive. Identifiers: Orphanet 401810, MedGen C3810289, MONDO:0014303, OMIM 615683.

Allele frequency attached by ClinVar (database versions not stated): ESP Exome Variant Server 0.00015; ExAC 0.00002; gnomAD exomes 0.00002; gnomAD 0.00007 and 0.00009; TOPMed 0.00010.
gnomAD v4.1: 27 of 1,614,034 alleles (0.0017%); highest among the groups gnomAD compares: African/African-American, 0.021%; no homozygotes.

Submissions (2):

Ambry Genetics
Classification: Uncertain significance for Inborn genetic diseases. Last evaluated: 2025-03-22. Review status: criteria provided, single submitter. Criteria: Ambry Variant Classification Scheme 2023. Collection method: clinical testing. Allele origin: germline.

Labcorp Genetics (formerly Invitae), Labcorp
Classification: Uncertain significance for Hereditary spastic paraplegia 64. Last evaluated: 2021-12-02. Review status: criteria provided, single submitter. Criteria: Invitae Variant Classification Sherloc (09022015). Collection method: clinical testing. Allele origin: germline.
Comment: In summary, the available evidence is currently insufficient to determine the role of this variant in disease. Therefore, it has been classified as a Variant of Uncertain Significance. Algorithms developed to predict the effect of missense changes on protein structure and function (SIFT, PolyPhen-2, Align-GVGD) all suggest that this variant is likely to be tolerated. This variant has not been reported in the literature in individuals affected with ENTPD1-related conditions. This variant is present in population databases (rs142591047, gnomAD 0.02%). This sequence change replaces isoleucine, which is neutral and non-polar, with threonine, which is neutral and polar, at codon 397 of the ENTPD1 protein (p.Ile397Thr).

NM_001776.6(ENTPD1):c.1190T>C (p.Ile397Thr)

Genes: ENTPD1 (ectonucleoside triphosphate diphosphohydrolase 1; plus strand), ENTPD1-AS1 (ENTPD1 antisense RNA 1; minus strand). Cytogenetic location: 10q24.1.
Variant type: single nucleotide variant.
Coding change: c.1190T>C on transcript NM_001776.6 (MANE Select); coding-DNA position 1190, T replaced by C.
Protein change: p.Ile397Thr; replaces isoleucine 397 with threonine.
Molecular consequence: missense variant.
Genome position (GRCh38, 1-based): chr10:95,864,725, T>C. VCF-style: chr10-95864725-T-C. GRCh37 (hg19) VCF-style: chr10-97624482-T-C.
Other names: c.776T>C, p.Ile259Thr (NM_001164182.2, NM_001164183.2); c.866T>C, p.Ile289Thr (NM_001312654.1, NM_001164181.1); c.1226T>C, p.Ile409Thr (NM_001320916.1, NM_001164178.1); c.1211T>C, p.Ile404Thr (NM_001098175.2); c.1067T>C, p.Ile356Thr (NM_001164179.2); short protein forms I356T, I259T, I289T, I397T, I404T, I409T.
Identifiers: ClinVar variation 1420157 (VCV001420157.7), dbSNP rs142591047, ClinGen allele CA5621587.